The following is an entry in ClinVar:

NM_007227.3(GPR45):c.90C>T (p.Pro30=)

Gene: GPR45 (G protein-coupled receptor 45; plus strand). Cytogenetic location: 2q12.1.
Variant type: single nucleotide variant.
Coding change: c.90C>T on transcript NM_007227.3 (MANE Select); coding-DNA position 90, C replaced by T.
Protein change: p.Pro30=; no amino-acid change (proline 30 retained).
Molecular consequence: synonymous variant.
Genome position (GRCh38, 1-based): chr2:105,241,948, C>T. VCF-style: chr2-105241948-C-T. GRCh37 (hg19) VCF-style: chr2-105858405-C-T.
Identifiers: ClinVar variation 3701628 (VCV003701628.2).

ClinVar aggregate classification (germline): Uncertain significance (1 of 4 stars; one submission).

gnomAD v4.1: 8 of 1,612,844 alleles (0.0005%); highest among the groups gnomAD compares: East Asian, 0.0022%; no homozygotes.

Submission:

Labcorp Genetics (formerly Invitae), Labcorp
Classification: Uncertain significance. Last evaluated: 2024-07-08. Review status: criteria provided, single submitter. Criteria: Invitae Variant Classification Sherloc (09022015). Collection method: clinical testing. Allele origin: germline.
Comment: This sequence change affects codon 30 of the GPR45 mRNA. It is a 'silent' change, meaning that it does not change the encoded amino acid sequence of the GPR45 protein. This variant is present in population databases (rs201019049, gnomAD 0.006%). This variant has not been reported in the literature in individuals affected with GPR45-related conditions. In summary, the available evidence is currently insufficient to determine the role of this variant in disease. Therefore, it has been classified as a Variant of Uncertain Significance.